The following is an entry in ClinVar:

ClinVar aggregate classification (germline): Uncertain significance (1 of 4 stars; one submission).

Conditions:
Alagille syndrome due to a JAG1 point mutation. Also called: Alagille Syndrome 1; HEPATIC DUCTULAR HYPOPLASIA, SYNDROMATIC; JAG1-Related Alagille Syndrome. Identifiers: Orphanet 261619, Orphanet 52, MedGen C1956125, MONDO:0016862, OMIM 118450.

Submission:

Labcorp Genetics (formerly Invitae), Labcorp
Classification: Uncertain significance for Alagille syndrome due to a JAG1 point mutation. Last evaluated: 2022-07-30. Review status: criteria provided, single submitter. Criteria: Invitae Variant Classification Sherloc (09022015). Collection method: clinical testing. Allele origin: germline.
Comment: In summary, the available evidence is currently insufficient to determine the role of this variant in disease. Therefore, it has been classified as a Variant of Uncertain Significance. Advanced modeling of protein sequence and biophysical properties (such as structural, functional, and spatial information, amino acid conservation, physicochemical variation, residue mobility, and thermodynamic stability) performed at Invitae indicates that this missense variant is not expected to disrupt JAG1 protein function. This variant has not been reported in the literature in individuals affected with JAG1-related conditions. This variant is not present in population databases (gnomAD no frequency). This sequence change replaces asparagine, which is neutral and polar, with aspartic acid, which is acidic and polar, at codon 1114 of the JAG1 protein (p.Asn1114Asp).

NM_000214.3(JAG1):c.3340A>G (p.Asn1114Asp)

Gene: JAG1 (jagged canonical Notch ligand 1; minus strand). Cytogenetic location: 20p12.2.
Variant type: single nucleotide variant.
Coding change: c.3340A>G on transcript NM_000214.3 (MANE Select); coding-DNA position 3340, A replaced by G.
Protein change: p.Asn1114Asp; replaces asparagine 1114 with aspartic acid.
Molecular consequence: missense variant.
Genome position (GRCh38, 1-based): chr20:10,639,815, T>C on the plus strand (A>G on the coding strand, the complement: JAG1 is on the minus strand). VCF-style: chr20-10639815-T-C. GRCh37 (hg19) VCF-style: chr20-10620463-T-C.
Other names: short protein forms N1114D.
Identifiers: ClinVar variation 2001850 (VCV002001850.4), dbSNP rs2514506554, ClinGen allele CA408243323.